The following is an entry in ClinVar:

ClinVar aggregate classification (germline): Uncertain significance (1 of 4 stars; one submission).

Conditions:
Hereditary cancer-predisposing syndrome. Also called: Neoplastic Syndromes, Hereditary; Tumor predisposition; Hereditary Cancer Syndrome; Hereditary neoplastic syndrome. Identifiers: Orphanet 140162, MedGen C0027672, MeSH D009386, MONDO:0015356.
Cardiovascular phenotype. Identifiers: MedGen CN230736.

Submission:

Ambry Genetics
Classification: Uncertain significance for Cardiovascular phenotype; Hereditary cancer-predisposing syndrome. Last evaluated: 2026-03-15. Review status: criteria provided, single submitter. Criteria: Ambry Variant Classification Scheme 2023. Collection method: clinical testing. Allele origin: germline.
Comment: The p.A219T variant (also known as c.655G>A), located in coding exon 8 of the LZTR1 gene, results from a G to A substitution at nucleotide position 655. The alanine at codon 219 is replaced by threonine, an amino acid with similar properties. This amino acid position is conserved. In addition, this alteration is predicted to be tolerated by in silico analysis. Based on the available evidence, the clinical significance of this variant remains unclear.

NM_006767.4(LZTR1):c.655G>A (p.Ala219Thr)

Gene: LZTR1 (leucine zipper like post translational regulator 1; plus strand). Cytogenetic location: 22q11.21.
Variant type: single nucleotide variant.
Coding change: c.655G>A on transcript NM_006767.4 (MANE Select); coding-DNA position 655, G replaced by A.
Protein change: p.Ala219Thr; replaces alanine 219 with threonine.
Molecular consequence: missense variant.
Genome position (GRCh38, 1-based): chr22:20,990,389, G>A. VCF-style: chr22-20990389-G-A. GRCh37 (hg19) VCF-style: chr22-21344678-G-A.
Other names: short protein forms A219T.
Identifiers: ClinVar variation 2527455 (VCV002527455.3), dbSNP rs2518615646, ClinGen allele CA410780412.